The following is an entry in ClinVar:

ClinVar aggregate classification (germline): Likely pathogenic (1 of 4 stars; one submission).

Submission:

Center for Genomic Medicine, Rigshospitalet, Copenhagen University Hospital
Classification: Likely pathogenic. Last evaluated: 2025-12-29. Review status: criteria provided, single submitter. Criteria: ACMG Guidelines, 2015. Collection method: clinical testing. Allele origin: germline.
Comment: Classification criteria: PVS1, PM2_supporting

Literature cited by the submitters: PubMed 20301486; PubMed 37347242; PubMed 25589632; PubMed 26315439; PubMed 27869827.

NM_001267550.2(TTN):c.9774del (p.Cys3259fs)

Gene: TTN (titin; minus strand). Cytogenetic location: 2q31.2.
Variant type: Deletion.
Coding change: c.9774del on transcript NM_001267550.2 (MANE Select); coding-DNA position 9774, one base deleted (C; older notation c.9774delC).
Protein change: p.Cys3259fs; shifts the reading frame from cysteine 3259.
Molecular consequence: frameshift variant.
Genome position (GRCh38, 1-based): chr2:178,764,741, G deleted on the plus strand (C on the coding strand, the reverse complement: TTN is on the minus strand). VCF-style (leftmost placement, unchanged base first): chr2-178764740-AG-A. GRCh37 (hg19) VCF-style: chr2-179629467-AG-A.
Other names: c.9774delC (NM_001267550.2); c.9774del, p.Cys3259fs (NM_001256850.1, NM_133378.4, NM_133379.5); c.9636del, p.Cys3213fs (NM_003319.4, NM_133432.3, NM_133437.4); short protein forms C3213fs, C3259fs.
Identifiers: ClinVar variation 4539399 (VCV004539399.1).